The following is an entry in ClinVar:

NM_001374353.1(GLI2):c.4292A>G (p.Tyr1431Cys)

Gene: GLI2 (GLI family zinc finger 2; plus strand). Cytogenetic location: 2q14.2.
Variant type: single nucleotide variant.
Coding change: c.4292A>G on transcript NM_001374353.1 (MANE Select); coding-DNA position 4292, A replaced by G.
Protein change: p.Tyr1431Cys; replaces tyrosine 1431 with cysteine.
Molecular consequence: missense variant.
Genome position (GRCh38, 1-based): chr2:120,990,257, A>G. VCF-style: chr2-120990257-A-G. GRCh37 (hg19) VCF-style: chr2-121747833-A-G.
Other names: c.4343A>G, p.Tyr1448Cys (NM_001371271.1, NM_005270.5); c.3917A>G, p.Tyr1306Cys (NM_001374354.1); short protein forms Y1306C, Y1448C, Y1431C.
Identifiers: ClinVar variation 2940027 (VCV002940027.3), dbSNP rs1279405733, ClinGen allele CA348179365.

ClinVar aggregate classification (germline): Uncertain significance (1 of 4 stars; one submission).

Conditions:
Postaxial polydactyly-anterior pituitary anomalies-facial dysmorphism syndrome. Also called: Culler-Jones syndrome. Identifiers: Orphanet 420584, MedGen C4014479, MONDO:0014369, OMIM 615849.
Holoprosencephaly 9 (HPE9). Also called: PITUITARY ANOMALIES WITH HOLOPROSENCEPHALY-LIKE FEATURES; HOLOPROSENCEPHALY WITH MICROPHTHALMIA AND FIRST BRANCHIAL ARCH ANOMALIES. Identifiers: Orphanet 2162, MedGen C1835819, MONDO:0012563, OMIM 610829.

Allele frequency attached by ClinVar (database versions not stated): gnomAD exomes below 0.00001; gnomAD 0.00001.
gnomAD v4.1: 2 of 1,613,532 alleles (0.00012%); highest among the groups gnomAD compares: Admixed American, 0.0033%; no homozygotes.

Submission:

Labcorp Genetics (formerly Invitae), Labcorp
Classification: Uncertain significance for Postaxial polydactyly-anterior pituitary anomalies-facial dysmorphism syndrome; Holoprosencephaly 9. Last evaluated: 2023-11-03. Review status: criteria provided, single submitter. Criteria: Invitae Variant Classification Sherloc (09022015). Collection method: clinical testing. Allele origin: germline.
Comment: This sequence change replaces tyrosine, which is neutral and polar, with cysteine, which is neutral and slightly polar, at codon 1448 of the GLI2 protein (p.Tyr1448Cys). This variant is present in population databases (no rsID available, gnomAD 0.003%). This variant has not been reported in the literature in individuals affected with GLI2-related conditions. Advanced modeling of protein sequence and biophysical properties (such as structural, functional, and spatial information, amino acid conservation, physicochemical variation, residue mobility, and thermodynamic stability) has been performed at Invitae for this missense variant, however the output from this modeling did not meet the statistical confidence thresholds required to predict the impact of this variant on GLI2 protein function. In summary, the available evidence is currently insufficient to determine the role of this variant in disease. Therefore, it has been classified as a Variant of Uncertain Significance.